The following is an entry in ClinVar:

ClinVar aggregate classification (germline): Uncertain significance. Review status: criteria provided, multiple submitters, no conflicts (2 of 4 stars). 2 submissions from 2 submitters: Uncertain significance (2). Last evaluated 2024-07-25.

Conditions:
Inborn genetic diseases. Identifiers: MedGen C0950123, MeSH D030342.

Allele frequency attached by ClinVar (database versions not stated): gnomAD exomes 0.00001; TOPMed 0.00001; ExAC 0.00001.
gnomAD v4.1: 4 of 1,613,980 alleles (0.00025%); highest among the groups gnomAD compares: Non-Finnish European, 0.00034%; no homozygotes.

Submissions (2):

Labcorp Genetics (formerly Invitae), Labcorp
Classification: Uncertain significance. Last evaluated: 2024-07-25. Review status: criteria provided, single submitter. Criteria: Invitae Variant Classification Sherloc (09022015). Collection method: clinical testing. Allele origin: germline.
Comment: This sequence change replaces serine, which is neutral and polar, with cysteine, which is neutral and slightly polar, at codon 2418 of the ATR protein (p.Ser2418Cys). This variant is present in population databases (rs756990664, gnomAD 0.002%). This variant has not been reported in the literature in individuals affected with ATR-related conditions. ClinVar contains an entry for this variant (Variation ID: 1757931). An algorithm developed to predict the effect of missense changes on protein structure and function (PolyPhen-2) suggests that this variant is likely to be disruptive. In summary, the available evidence is currently insufficient to determine the role of this variant in disease. Therefore, it has been classified as a Variant of Uncertain Significance.

Ambry Genetics
Classification: Uncertain significance for Inborn genetic diseases. Last evaluated: 2022-04-24. Review status: criteria provided, single submitter. Criteria: Ambry Variant Classification Scheme 2023. Collection method: clinical testing. Allele origin: germline.
Comment: The p.S2418C variant (also known as c.7253C>G), located in coding exon 43 of the ATR gene, results from a C to G substitution at nucleotide position 7253. The serine at codon 2418 is replaced by cysteine, an amino acid with dissimilar properties. This amino acid position is conserved. In addition, this alteration is predicted to be tolerated by in silico analysis. Since supporting evidence is limited at this time, the clinical significance of this alteration remains unclear.

NM_001184.4(ATR):c.7253C>G (p.Ser2418Cys)

Gene: ATR (ATR checkpoint kinase; minus strand). Cytogenetic location: 3q23.
Variant type: single nucleotide variant.
Coding change: c.7253C>G on transcript NM_001184.4 (MANE Select); coding-DNA position 7253, C replaced by G.
Protein change: p.Ser2418Cys; replaces serine 2418 with cysteine.
Molecular consequence: missense variant.
Genome position (GRCh38, 1-based): chr3:142,459,323, G>C on the plus strand (C>G on the coding strand, the complement: ATR is on the minus strand). VCF-style: chr3-142459323-G-C. GRCh37 (hg19) VCF-style: chr3-142178165-G-C.
Other names: c.7061C>G, p.Ser2354Cys (NM_001354579.2); short protein forms S2418C, S2354C.
Identifiers: ClinVar variation 1757931 (VCV001757931.4), dbSNP rs756990664, ClinGen allele CA2649168.